The following is an entry in ClinVar:

ClinVar aggregate classification (germline): Uncertain significance (1 of 4 stars; one submission).

Allele frequency attached by ClinVar (database versions not stated): gnomAD exomes below 0.00001; ESP Exome Variant Server 0.00008.
gnomAD v4.1: 1 of 1,613,252 alleles (0.000062%); highest among the groups gnomAD compares: Non-Finnish European, 0.000085%; no homozygotes.

Submission:

Labcorp Genetics (formerly Invitae), Labcorp
Classification: Uncertain significance. Last evaluated: 2022-03-29. Review status: criteria provided, single submitter. Criteria: Invitae Variant Classification Sherloc (09022015). Collection method: clinical testing. Allele origin: germline.
Comment: This sequence change replaces valine, which is neutral and non-polar, with alanine, which is neutral and non-polar, at codon 339 of the EYS protein (p.Val339Ala). Algorithms developed to predict the effect of missense changes on protein structure and function output the following: SIFT: "Tolerated"; PolyPhen-2: "Benign"; Align-GVGD: "Class C0". The alanine amino acid residue is found in multiple mammalian species, which suggests that this missense change does not adversely affect protein function. This variant has not been reported in the literature in individuals affected with EYS-related conditions. This variant is not present in population databases (gnomAD no frequency). In summary, the available evidence is currently insufficient to determine the role of this variant in disease. Therefore, it has been classified as a Variant of Uncertain Significance.

NM_001142800.2(EYS):c.1016T>C (p.Val339Ala)

Gene: EYS (EGF-like photoreceptor maintenance factor; minus strand). Cytogenetic location: 6q12.
Variant type: single nucleotide variant.
Coding change: c.1016T>C on transcript NM_001142800.2 (MANE Select); coding-DNA position 1016, T replaced by C.
Protein change: p.Val339Ala; replaces valine 339 with alanine.
Molecular consequence: missense variant.
Genome position (GRCh38, 1-based): chr6:65,405,214, A>G on the plus strand (T>C on the coding strand, the complement: EYS is on the minus strand). VCF-style: chr6-65405214-A-G. GRCh37 (hg19) VCF-style: chr6-66115107-A-G.
Other names: c.1016T>C, p.Val339Ala (NM_001142801.2, NM_001292009.2, NM_198283.2); short protein forms V339A.
Identifiers: ClinVar variation 2088026 (VCV002088026.4), dbSNP rs149421359, ClinGen allele CA139846861.